The following is an entry in ClinVar:

ClinVar aggregate classification (germline): Likely benign (0 of 4 stars; one submission).

Conditions:
ZIC2-related disorder. Also called: ZIC2-related condition.

Allele frequency attached by ClinVar (database versions not stated): gnomAD 0.00001.
gnomAD v4.1: 4 of 1,597,908 alleles (0.00025%); highest among the groups gnomAD compares: Non-Finnish European, 0.00034%; no homozygotes.

Submission:

PreventionGenetics, part of Exact Sciences
Classification: Likely benign for ZIC2-related condition. Last evaluated: 2020-05-11. Review status: no assertion criteria provided. Collection method: clinical testing. Allele origin: germline.
Comment: This variant is classified as likely benign based on ACMG/AMP sequence variant interpretation guidelines (Richards et al. 2015 PMID: 25741868, with internal and published modifications).

NM_007129.5(ZIC2):c.1263C>G (p.Gly421=)

Gene: ZIC2 (Zic family member 2; plus strand). Cytogenetic location: 13q32.3.
Variant type: single nucleotide variant.
Coding change: c.1263C>G on transcript NM_007129.5 (MANE Select); coding-DNA position 1263, C replaced by G.
Protein change: p.Gly421=; no amino-acid change (glycine 421 retained).
Molecular consequence: synonymous variant.
Genome position (GRCh38, 1-based): chr13:99,985,346, C>G. VCF-style: chr13-99985346-C-G. GRCh37 (hg19) VCF-style: chr13-100637600-C-G.
Identifiers: ClinVar variation 3054215 (VCV003054215.2), dbSNP rs1133911, ClinGen allele CA484760197.